The following is an entry in ClinVar:

NM_005032.7(PLS3):c.928G>T (p.Ala310Ser)

Gene: PLS3 (plastin 3; plus strand). Cytogenetic location: Xq23.
Variant type: single nucleotide variant.
Coding change: c.928G>T on transcript NM_005032.7 (MANE Select); coding-DNA position 928, G replaced by T.
Protein change: p.Ala310Ser; replaces alanine 310 with serine.
Molecular consequence: missense variant.
Genome position (GRCh38, 1-based): chrX:115,640,444, G>T. VCF-style: chrX-115640444-G-T. GRCh37 (hg19) VCF-style: chrX-114874756-G-T.
Other names: c.928G>T, p.Ala310Ser (NM_001136025.5); c.847G>T, p.Ala283Ser (NM_001172335.3); c.889G>T, p.Ala297Ser (NM_001282337.2); c.793G>T, p.Ala265Ser (NM_001282338.2); short protein forms A283S, A310S, A265S, A297S.
Identifiers: ClinVar variation 2719179 (VCV002719179.3), dbSNP rs781988960, ClinGen allele CA414334765.

ClinVar aggregate classification (germline): Uncertain significance (1 of 4 stars; one submission).

Submission:

Labcorp Genetics (formerly Invitae), Labcorp
Classification: Uncertain significance. Last evaluated: 2026-01-06. Review status: criteria provided, single submitter. Criteria: Invitae Variant Classification Sherloc (09022015). Collection method: clinical testing. Allele origin: germline.
Comment: This sequence change replaces alanine, which is neutral and non-polar, with serine, which is neutral and polar, at codon 310 of the PLS3 protein (p.Ala310Ser). This variant is not present in population databases (gnomAD no frequency). This variant has not been reported in the literature in individuals affected with PLS3-related conditions. ClinVar contains an entry for this variant (Variation ID: 2719179). Invitae Evidence Modeling of protein sequence and biophysical properties (such as structural, functional, and spatial information, amino acid conservation, physicochemical variation, residue mobility, and thermodynamic stability) indicates that this missense variant is not expected to disrupt PLS3 protein function with a negative predictive value of 80%. In summary, the available evidence is currently insufficient to determine the role of this variant in disease. Therefore, it has been classified as a Variant of Uncertain Significance.